The following is an entry in ClinVar:

ClinVar aggregate classification (germline): Uncertain significance (1 of 4 stars; one submission).

Conditions:
Ichthyosis linearis circumflexa. Identifiers: MedGen C0265962, MONDO:0043106, HP:0025810.

Allele frequency attached by ClinVar (database versions not stated): TOPMed below 0.00001.

Submission:

Labcorp Genetics (formerly Invitae), Labcorp
Classification: Uncertain significance for Ichthyosis linearis circumflexa. Last evaluated: 2022-08-22. Review status: criteria provided, single submitter. Criteria: Invitae Variant Classification Sherloc (09022015). Collection method: clinical testing. Allele origin: germline.
Comment: This sequence change replaces alanine, which is neutral and non-polar, with valine, which is neutral and non-polar, at codon 283 of the SPINK5 protein (p.Ala283Val). In summary, the available evidence is currently insufficient to determine the role of this variant in disease. Therefore, it has been classified as a Variant of Uncertain Significance. Algorithms developed to predict the effect of missense changes on protein structure and function output the following: SIFT: "Tolerated"; PolyPhen-2: "Benign"; Align-GVGD: "Class C0". The valine amino acid residue is found in multiple mammalian species, which suggests that this missense change does not adversely affect protein function. This variant has not been reported in the literature in individuals affected with SPINK5-related conditions. This variant is not present in population databases (gnomAD no frequency).

NM_006846.4(SPINK5):c.848C>T (p.Ala283Val)

Gene: SPINK5 (serine peptidase inhibitor Kazal type 5; plus strand). Cytogenetic location: 5q32.
Variant type: single nucleotide variant.
Coding change: c.848C>T on transcript NM_006846.4 (MANE Select); coding-DNA position 848, C replaced by T.
Protein change: p.Ala283Val; replaces alanine 283 with valine.
Molecular consequence: missense variant.
Genome position (GRCh38, 1-based): chr5:148,095,871, C>T. VCF-style: chr5-148095871-C-T. GRCh37 (hg19) VCF-style: chr5-147475434-C-T.
Other names: c.848C>T, p.Ala283Val (NM_001127698.2, NM_001127699.2); short protein forms A283V.
Identifiers: ClinVar variation 1720621 (VCV001720621.6), dbSNP rs1753442909, ClinGen allele CA361634827.